The following is an entry in ClinVar:

NM_019892.6(INPP5E):c.223C>G (p.Pro75Ala)

Gene: INPP5E (inositol polyphosphate-5-phosphatase E; minus strand). Cytogenetic location: 9q34.3.
Variant type: single nucleotide variant.
Coding change: c.223C>G on transcript NM_019892.6 (MANE Select); coding-DNA position 223, C replaced by G.
Protein change: p.Pro75Ala; replaces proline 75 with alanine.
Molecular consequence: missense variant.
Genome position (GRCh38, 1-based): chr9:136,439,197, G>C on the plus strand (C>G on the coding strand, the complement: INPP5E is on the minus strand). VCF-style: chr9-136439197-G-C. GRCh37 (hg19) VCF-style: chr9-139333649-G-C.
Other names: c.223C>G, p.Pro75Ala (NM_001318502.2); short protein forms P75A.
Identifiers: ClinVar variation 4994547 (VCV004994547.1).

ClinVar aggregate classification (germline): Uncertain significance (1 of 4 stars; one submission).

Conditions:
INPP5E-related disorder. Also called: INPP5E-related condition.

Submission:

PreventionGenetics, part of Exact Sciences
Classification: Uncertain significance for INPP5E-related condition. Last evaluated: 2026-03-20. Review status: criteria provided, single submitter. Criteria: ACMG Guidelines, 2015. Collection method: clinical testing. Allele origin: germline.
Comment: The INPP5E c.223C>G variant is predicted to result in the amino acid substitution p.Pro75Ala. To our knowledge, this variant has not been reported in the literature or in a large population database (gnomAD), indicating this variant is rare. At this time, the clinical significance of this variant is uncertain due to the absence of conclusive functional and genetic evidence.